The following is an entry in ClinVar:

NM_001127178.3(PIGG):c.1490C>T (p.Ser497Leu)

Gene: PIGG (phosphatidylinositol glycan anchor biosynthesis class G (EMM blood group); plus strand). Cytogenetic location: 4p16.3.
Variant type: single nucleotide variant.
Coding change: c.1490C>T on transcript NM_001127178.3 (MANE Select); coding-DNA position 1490, C replaced by T.
Protein change: p.Ser497Leu; replaces serine 497 with leucine.
Molecular consequence: missense variant. On other transcripts: 5 prime UTR variant (2), non-coding transcript variant (10), 3 prime UTR variant (2).
Genome position (GRCh38, 1-based): chr4:521,817, C>T. VCF-style: chr4-521817-C-T. GRCh37 (hg19) VCF-style: chr4-515606-C-T.
Other names: c.1199C>T, p.Ser400Leu (NM_001345987.2); c.461C>T, p.Ser154Leu (NM_001345988.2); c.1490C>T, p.Ser497Leu (NM_001345989.2); c.-44C>T (NM_001345990.2, NM_001345991.2); c.392C>T, p.Ser131Leu (NM_001345994.2); c.1466C>T, p.Ser489Leu (NM_017733.5); c.1223C>T, p.Ser408Leu (NM_001289051.2, NM_001289053.2, NM_001345986.2); c.1091C>T, p.Ser364Leu (NM_001289052.2); and 2 more; short protein forms S489L, S131L, S154L, S408L, S497L, S364L, S400L.
Identifiers: ClinVar variation 939119 (VCV000939119.8), dbSNP rs755547556, ClinGen allele CA91065148.

ClinVar aggregate classification (germline): Uncertain significance (1 of 4 stars; one submission).

Conditions:
Intellectual disability, autosomal recessive 53 (NEDHSCA). Also called: NEURODEVELOPMENTAL DISORDER WITH OR WITHOUT HYPOTONIA, SEIZURES, AND CEREBELLAR ATROPHY; GLYCOSYLPHOSPHATIDYLINOSITOL BIOSYNTHESIS DEFECT 13; Mental retardation, autosomal recessive 53. Identifiers: Orphanet 488635, MedGen C4310794, MONDO:0014832, OMIM 616917.

Allele frequency attached by ClinVar (database versions not stated): gnomAD exomes below 0.00001 and 0.00002.
gnomAD v4.1: 24 of 1,614,190 alleles (0.0015%); highest among the groups gnomAD compares: Non-Finnish European, 0.0018%; no homozygotes.

Submission:

Labcorp Genetics (formerly Invitae), Labcorp
Classification: Uncertain significance for Intellectual disability, autosomal recessive 53. Last evaluated: 2021-03-25. Review status: criteria provided, single submitter. Criteria: Invitae Variant Classification Sherloc (09022015). Collection method: clinical testing. Allele origin: germline.
Comment: This sequence change replaces serine with leucine at codon 497 of the PIGG protein (p.Ser497Leu). The serine residue is moderately conserved and there is a large physicochemical difference between serine and leucine. In summary, the available evidence is currently insufficient to determine the role of this variant in disease. Therefore, it has been classified as a Variant of Uncertain Significance. Algorithms developed to predict the effect of missense changes on protein structure and function (SIFT, PolyPhen-2, Align-GVGD) all suggest that this variant is likely to be tolerated, but these predictions have not been confirmed by published functional studies and their clinical significance is uncertain. This variant has not been reported in the literature in individuals with PIGG-related conditions. This variant is not present in population databases (ExAC no frequency).